The following is an entry in ClinVar:

NM_006231.4(POLE):c.4732G>A (p.Glu1578Lys)

Gene: POLE (DNA polymerase epsilon, catalytic subunit; minus strand). Cytogenetic location: 12q24.33.
Variant type: single nucleotide variant.
Coding change: c.4732G>A on transcript NM_006231.4 (MANE Select); coding-DNA position 4732, G replaced by A.
Protein change: p.Glu1578Lys; replaces glutamic acid 1578 with lysine.
Molecular consequence: missense variant.
Genome position (GRCh38, 1-based): chr12:132,642,726, C>T on the plus strand (G>A on the coding strand, the complement: POLE is on the minus strand). VCF-style: chr12-132642726-C-T. GRCh37 (hg19) VCF-style: chr12-133219312-C-T.
Other names: short protein forms E1578K.
Identifiers: ClinVar variation 1718429 (VCV001718429.5), dbSNP rs2541886475, ClinGen allele CA387378568.
Genomic context (GRCh38, chr12:132,642,726, plus strand): 5'-TGGCCAGCCTCTTCAGCTCCCAGCTGGACTGAACAGCGATGAGTGTGGGCCCCCGGCGCT[C>T]CTCCTGGGTCAAGGCAAAATGGAAGAAAAGACCTGGGTGGACCCAGCCTCAAAGAAGATG-3'
Protein context (NP_006222.2, residues 1568-1588): IQRFLLAYKE[Glu1578Lys]RRGPTLIAVQ

ClinVar aggregate classification (germline): Uncertain significance (1 of 4 stars; one submission).

Submission:

Labcorp Genetics (formerly Invitae), Labcorp
Classification: Uncertain significance. Last evaluated: 2022-08-31. Review status: criteria provided, single submitter. Criteria: Invitae Variant Classification Sherloc (09022015). Collection method: clinical testing. Allele origin: germline.
Comment: In summary, the available evidence is currently insufficient to determine the role of this variant in disease. Therefore, it has been classified as a Variant of Uncertain Significance. Algorithms developed to predict the effect of missense changes on protein structure and function are either unavailable or do not agree on the potential impact of this missense change (SIFT: "Tolerated"; PolyPhen-2: "Possibly Damaging"; Align-GVGD: "Class C0"). This variant has not been reported in the literature in individuals affected with POLE-related conditions. This variant is not present in population databases (gnomAD no frequency). This sequence change replaces glutamic acid, which is acidic and polar, with lysine, which is basic and polar, at codon 1578 of the POLE protein (p.Glu1578Lys).